The following is an entry in ClinVar:

ClinVar aggregate classification (germline): Uncertain significance (1 of 4 stars; one submission).

Conditions:
Syndromic X-linked intellectual disability Najm type (MICPCH). Also called: Intellectual developmental disorder and microcephaly with pontine and cerebellar hypoplasia; Mental retardation and microcephaly with pontine and cerebellar hypoplasia; MENTAL RETARDATION, X-LINKED, SYNDROMIC, NAJM TYPE; Intellectual Disability and Microcephaly with Pontine and Cerebellar Hypoplasia (MICPCH); MICPCH SYNDROME; Intellectual Disability and Microcephaly with Pontine and Cerebellar Hypoplasia. Identifiers: Orphanet 163937, MedGen C2677903, MONDO:0010417, OMIM 300749.

Submission:

Baylor Genetics
Classification: Uncertain significance for Syndromic X-linked intellectual disability Najm type. Last evaluated: 2019-12-13. Review status: criteria provided, single submitter. Criteria: ACMG Guidelines, 2015. Collection method: clinical testing. Allele origin: unknown. Affected: yes.
Comment: This variant was determined to be of uncertain significance according to ACMG Guidelines, 2015 [PMID:25741868].

NM_001367721.1(CASK):c.56G>A (p.Gly19Glu)

Gene: CASK (calcium/calmodulin dependent serine protein kinase; minus strand). Cytogenetic location: Xp11.4.
Variant type: single nucleotide variant.
Coding change: c.56G>A on transcript NM_001367721.1 (MANE Select); coding-DNA position 56, G replaced by A.
Protein change: p.Gly19Glu; replaces glycine 19 with glutamic acid.
Molecular consequence: missense variant.
Genome position (GRCh38, 1-based): chrX:41,922,933, C>T on the plus strand (G>A on the coding strand, the complement: CASK is on the minus strand). VCF-style: chrX-41922933-C-T. GRCh37 (hg19) VCF-style: chrX-41782186-C-T.
Other names: c.56G>A, p.Gly19Glu (NM_001126054.3, NM_001126055.3, NM_001410745.1 and 1 more transcripts); short protein forms G19E.
Identifiers: ClinVar variation 1030696 (VCV001030696.1), dbSNP rs2072812741, ClinGen allele CA413001800.